The following is an entry in ClinVar:

ClinVar aggregate classification (germline): Uncertain significance (1 of 4 stars; one submission).

Submission:

CeGaT Center for Human Genetics Tuebingen
Classification: Uncertain significance. Last evaluated: 2024-03-01. Review status: criteria provided, single submitter. Criteria: CeGaT Center For Human Genetics Tuebingen Variant Classification Criteria Version 2. Collection method: clinical testing. Allele origin: germline. Affected: yes. Observed: 1 variant allele.
Comment: CACNA1I: PM2, PP2, PP3

NM_021096.4(CACNA1I):c.3800T>A (p.Ile1267Asn)

Gene: CACNA1I (calcium voltage-gated channel subunit alpha1 I; plus strand). Cytogenetic location: 22q13.1.
Variant type: single nucleotide variant.
Coding change: c.3800T>A on transcript NM_021096.4 (MANE Select); coding-DNA position 3800, T replaced by A.
Protein change: p.Ile1267Asn; replaces isoleucine 1267 with asparagine.
Molecular consequence: missense variant.
Genome position (GRCh38, 1-based): chr22:39,664,872, T>A. VCF-style: chr22-39664872-T-A. GRCh37 (hg19) VCF-style: chr22-40060877-T-A.
Other names: c.3695T>A, p.Ile1232Asn (NM_001003406.2); short protein forms I1232N, I1267N.
Identifiers: ClinVar variation 3067637 (VCV003067637.21), dbSNP rs2518171877, ClinGen allele CA411661373.